The following is an entry in ClinVar:

ClinVar aggregate classification (germline): Uncertain significance (1 of 4 stars; one submission).

Conditions:
Neurodevelopmental disorder. Identifiers: MedGen C1535926, MeSH D065886, MONDO:0700092.

Submission:

Victorian Clinical Genetics Services, Murdoch Childrens Research Institute
Classification: Uncertain significance for Neurodevelopmental disorder. Last evaluated: 2024-12-18. Review status: criteria provided, single submitter. Criteria: ACMG Guidelines, 2015. Collection method: clinical testing. Allele origin: germline. Affected: yes.
Comment: This variant is classified as VUS-3A. Evidence in support of pathogenic classification: Variant is absent from gnomAD (v2, v3 and v4); Additional information: Variant is predicted to result in a missense amino acid change from leucine to valine; This variant is heterozygous; This gene is associated with autosomal dominant disease. There is currently limited evidence for this gene-disease association; three individuals with de novo missense variants have been reported in large autism or developmental disorder cohorts (PMIDs: 33057194, 25363768). Another individual with developmental delay and seizures and a de novo missense variant, was also reported to have a diagnosis associated with VARS1 (PMID: 35361529, personal communication); This variant has no previous evidence of pathogenicity; No published segregation evidence has been identified for this variant; No published functional evidence has been identified for this variant; No comparable missense variants have previous evidence for pathogenicity; Variant is not located in an established domain, motif, hotspot or informative constraint region; Missense variant with inconclusive in silico prediction and uninformative conservation; The mechanism of disease for this gene is not clearly established.

Literature cited by the submitters: PubMed 25363768; PubMed 35361529; PubMed 33057194.

NM_006247.4(PPP5C):c.217C>G (p.Leu73Val)

Gene: PPP5C (protein phosphatase 5 catalytic subunit; plus strand). Cytogenetic location: 19q13.32.
Variant type: single nucleotide variant.
Coding change: c.217C>G on transcript NM_006247.4 (MANE Select); coding-DNA position 217, C replaced by G.
Protein change: p.Leu73Val; replaces leucine 73 with valine.
Molecular consequence: missense variant.
Genome position (GRCh38, 1-based): chr19:46,353,843, C>G. VCF-style: chr19-46353843-C-G. GRCh37 (hg19) VCF-style: chr19-46857100-C-G.
Other names: c.217C>G, p.Leu73Val (NM_001204284.2); short protein forms L73V.
Identifiers: ClinVar variation 4531727 (VCV004531727.1).
Genomic context (GRCh38, chr19:46,353,843, plus strand): 5'-CAGGCCATCGAGCTGAACCCCAGCAATGCCATCTACTATGGCAACCGCAGCCTGGCCTAC[C>G]TGCGCACTGAGTGCTATGGCTACGCGCTGGGAGACGCCACGCGGGCCATTGAGCTGGACA-3'
Protein context (NP_006238.1, residues 63-83): IYYGNRSLAY[Leu73Val]RTECYGYALG